The following is an entry in ClinVar:

NM_182961.4(SYNE1):c.9170G>A (p.Gly3057Asp)

Gene: SYNE1 (spectrin repeat containing nuclear envelope protein 1; minus strand). Cytogenetic location: 6q25.2.
Variant type: single nucleotide variant.
Coding change: c.9170G>A on transcript NM_182961.4 (MANE Select); coding-DNA position 9170, G replaced by A.
Protein change: p.Gly3057Asp; replaces glycine 3057 with aspartic acid.
Molecular consequence: missense variant.
Genome position (GRCh38, 1-based): chr6:152,376,535, C>T on the plus strand (G>A on the coding strand, the complement: SYNE1 is on the minus strand). VCF-style: chr6-152376535-C-T. GRCh37 (hg19) VCF-style: chr6-152697670-C-T.
Other names: c.9191G>A, p.Gly3064Asp (NM_033071.5); short protein forms G3064D, G3057D.
Identifiers: ClinVar variation 1440928 (VCV001440928.7), dbSNP rs761071366, ClinGen allele CA4057375.

ClinVar aggregate classification (germline): Uncertain significance (1 of 4 stars; one submission).

Conditions:
Emery-Dreifuss muscular dystrophy 4, autosomal dominant (EDMD4). Also called: EMERY-DREIFUSS MUSCULAR DYSTROPHY 4 WITH VARIABLE FEATURES. Identifiers: Orphanet 261, MedGen C2751807, MONDO:0013071, OMIM 612998.
Autosomal recessive ataxia, Beauce type. Also called: Spinocerebellar ataxia, autosomal recessive 8; ATAXIA, RECESSIVE, OF BEAUCE; SYNE1 Deficiency; SYNE1-Related Autosomal Recessive Cerebellar Ataxia. Identifiers: Orphanet 88644, MedGen C1853116, MONDO:0012549, OMIM 610743.

Allele frequency attached by ClinVar (database versions not stated): gnomAD exomes below 0.00001; ExAC 0.00001; gnomAD 0.00001.
gnomAD v4.1: 2 of 1,613,880 alleles (0.00012%); highest among the groups gnomAD compares: African/African-American, 0.0013%; no homozygotes.

Submission:

Labcorp Genetics (formerly Invitae), Labcorp
Classification: Uncertain significance for Emery-Dreifuss muscular dystrophy 4, autosomal dominant; Autosomal recessive ataxia, Beauce type. Last evaluated: 2022-03-18. Review status: criteria provided, single submitter. Criteria: Invitae Variant Classification Sherloc (09022015). Collection method: clinical testing. Allele origin: germline.
Comment: In summary, the available evidence is currently insufficient to determine the role of this variant in disease. Therefore, it has been classified as a Variant of Uncertain Significance. Algorithms developed to predict the effect of missense changes on protein structure and function output the following: SIFT: "Tolerated"; PolyPhen-2: "Benign"; Align-GVGD: "Class C0". The aspartic acid amino acid residue is found in multiple mammalian species, which suggests that this missense change does not adversely affect protein function. This variant has not been reported in the literature in individuals affected with SYNE1-related conditions. The frequency data for this variant in the population databases is considered unreliable, as metrics indicate poor data quality at this position in the gnomAD database. This sequence change replaces glycine, which is neutral and non-polar, with aspartic acid, which is acidic and polar, at codon 3064 of the SYNE1 protein (p.Gly3064Asp).